The following is an entry in ClinVar:

ClinVar aggregate classification (germline): Uncertain significance (1 of 4 stars; one submission).

gnomAD v4.1: 1 of 1,612,600 alleles (0.000062%); highest among the groups gnomAD compares: Non-Finnish European, 0.000085%; no homozygotes.

Submission:

Labcorp Genetics (formerly Invitae), Labcorp
Classification: Uncertain significance. Last evaluated: 2023-06-13. Review status: criteria provided, single submitter. Criteria: Invitae Variant Classification Sherloc (09022015). Collection method: clinical testing. Allele origin: germline.
Comment: In summary, the available evidence is currently insufficient to determine the role of this variant in disease. Therefore, it has been classified as a Variant of Uncertain Significance. An algorithm developed to predict the effect of missense changes on protein structure and function (PolyPhen-2) suggests that this variant is likely to be disruptive. This variant has not been reported in the literature in individuals affected with ACTN4-related conditions. This variant is not present in population databases (gnomAD no frequency). This sequence change replaces glycine, which is neutral and non-polar, with cysteine, which is neutral and slightly polar, at codon 888 of the ACTN4 protein (p.Gly888Cys).

NM_004924.6(ACTN4):c.2662G>T (p.Gly888Cys)

Gene: ACTN4 (actinin alpha 4; plus strand). Cytogenetic location: 19q13.2.
Variant type: single nucleotide variant.
Coding change: c.2662G>T on transcript NM_004924.6 (MANE Select); coding-DNA position 2662, G replaced by T.
Protein change: p.Gly888Cys; replaces glycine 888 with cysteine.
Molecular consequence: missense variant.
Genome position (GRCh38, 1-based): chr19:38,729,358, G>T. VCF-style: chr19-38729358-G-T. GRCh37 (hg19) VCF-style: chr19-39219998-G-T.
Other names: c.2647G>T, p.Gly883Cys (NM_001322033.2); c.2662G>T, p.Gly888Cys (NM_001411143.1); short protein forms G883C, G888C.
Identifiers: ClinVar variation 2867164 (VCV002867164.3), dbSNP rs142064046, ClinGen allele CA405706944.